The following is an entry in ClinVar:

ClinVar aggregate classification (germline): Likely benign (1 of 4 stars; one submission).

Submission:

CeGaT Center for Human Genetics Tuebingen
Classification: Likely benign. Last evaluated: 2026-05-01. Review status: criteria provided, single submitter. Criteria: CeGaT Center For Human Genetics Tuebingen Variant Classification Criteria Version 2. Collection method: clinical testing. Allele origin: germline. Affected: yes. Observed: 1 variant allele.
Comment: ARX: PM2:Supporting, BP4, BP7

NM_139058.3(ARX):c.831A>T (p.Ala277=)

Gene: ARX (aristaless related homeobox; minus strand). Cytogenetic location: Xp21.3.
Variant type: single nucleotide variant.
Coding change: c.831A>T on transcript NM_139058.3 (MANE Select); coding-DNA position 831, A replaced by T.
Protein change: p.Ala277=; no amino-acid change (alanine 277 retained).
Molecular consequence: synonymous variant.
Genome position (GRCh38, 1-based): chrX:25,013,164, T>A on the plus strand (A>T on the coding strand, the complement: ARX is on the minus strand). VCF-style: chrX-25013164-T-A. GRCh37 (hg19) VCF-style: chrX-25031281-T-A.
Identifiers: ClinVar variation 4873183 (VCV004873183.2).